The following is an entry in ClinVar:

NM_012144.4(DNAI1):c.389-6A>G

Gene: DNAI1 (dynein axonemal intermediate chain 1; plus strand). Cytogenetic location: 9p13.3.
Variant type: single nucleotide variant.
Coding change: c.389-6A>G on transcript NM_012144.4 (MANE Select); 6 bases into the intron before coding-DNA position 389, A replaced by G.
Molecular consequence: intron variant. On other transcripts: missense variant (1).
Genome position (GRCh38, 1-based): chr9:34,490,006, A>G. VCF-style: chr9-34490006-A-G. GRCh37 (hg19) VCF-style: chr9-34490004-A-G.
Other names: c.395A>G, p.Tyr132Cys (NM_001281428.2); c.395A>G (NM_001281428.1); short protein forms Y132C.
Identifiers: ClinVar variation 240856 (VCV000240856.9), dbSNP rs878854966, ClinGen allele CA10582660.

ClinVar aggregate classification (germline): Uncertain significance. Review status: criteria provided, multiple submitters, no conflicts (2 of 4 stars). 2 submissions from 2 submitters: Uncertain significance (2). Last evaluated 2026-07-31.

Conditions:
DNAI1-related disorder. Also called: DNAI1-related condition.
Primary ciliary dyskinesia. Also called: Ciliary dyskinesia. Identifiers: Orphanet 244, MedGen C0008780, MONDO:0016575, HP:0012265.

Allele frequency attached by ClinVar (database versions not stated): gnomAD exomes below 0.00001 and 0.00001; gnomAD 0.00001; TOPMed 0.00001.
gnomAD v4.1: 15 of 1,613,896 alleles (0.00093%); highest among the groups gnomAD compares: Non-Finnish European, 0.0012%; no homozygotes.

Submissions (2):

PreventionGenetics, part of Exact Sciences
Classification: Uncertain significance for DNAI1-related condition. Last evaluated: 2026-07-31. Review status: criteria provided, single submitter. Criteria: ACMG Guidelines, 2015. Collection method: clinical testing. Allele origin: germline.
Comment: The DNAI1 c.395A>G variant is predicted to result in the amino acid substitution p.Tyr132Cys. In an alternative transcript this variant is predicted to result in the missense variant p.Tyr132Cys (NM_001281428, c.395A>G). To our knowledge, this variant has not been reported in the literature. This variant is reported in 0.00088% of alleles in individuals of European (Non-Finnish) descent in gnomAD. At this time, the clinical significance of this variant is uncertain due to the absence of conclusive functional and genetic evidence.

Labcorp Genetics (formerly Invitae), Labcorp
Classification: Uncertain significance for Primary ciliary dyskinesia. Last evaluated: 2022-06-27. Review status: criteria provided, single submitter. Criteria: Invitae Variant Classification Sherloc (09022015). Collection method: clinical testing. Allele origin: germline.
Comment: This variant has not been reported in the literature in individuals affected with DNAI1-related conditions. In summary, the available evidence is currently insufficient to determine the role of this variant in disease. Therefore, it has been classified as a Variant of Uncertain Significance. Algorithms developed to predict the effect of sequence changes on RNA splicing suggest that this variant is not likely to affect RNA splicing. Experimental studies and prediction algorithms are not available or were not evaluated, and the functional significance of this variant is currently unknown. ClinVar contains an entry for this variant (Variation ID: 240856). This variant is also known as c.395A>G (p.Tyr132Cys) in alternate transcript NM_001281428.1. This variant is present in population databases (no rsID available, gnomAD 0.0009%). This sequence change falls in intron 5 of the DNAI1 gene. It does not directly change the encoded amino acid sequence of the DNAI1 protein.